The following is an entry in ClinVar:

ClinVar aggregate classification (germline): Pathogenic (1 of 4 stars; one submission).

Conditions:
Alport syndrome. Also called: Hemorrhagic familial nephritis; Hemorrhagic hereditary nephritis; Congenital hereditary hematuria. Identifiers: Orphanet 63, MedGen C1567741, MONDO:0018965.

gnomAD v4.1: 1 of 1,613,984 alleles (0.000062%); highest among the groups gnomAD compares: Non-Finnish European, 0.000085%; no homozygotes.

Submission:

Myriad Genetics, Inc.
Classification: Pathogenic for Alport syndrome. Last evaluated: 2026-03-11. Review status: criteria provided, single submitter. Criteria: Myriad Autosomal Dominant, Autosomal Recessive and X-Linked Classification Criteria (2023). Collection method: clinical testing. Allele origin: unknown.
Comment: NM_000091.4(COL4A3):c.4895G>A(W1632*) is a nonsense variant classified as pathogenic in the context of Alport syndrome, COL4A3-related. W1632* has been observed in a case with relevant disease (PMID: 39558648). Relevant functional assessments of this variant are not available in the literature. W1632* has not been observed in referenced population frequency databases. In summary, NM_000091.4(COL4A3):c.4895G>A(W1632*) is a nonsense variant in a gene where loss of function is a known mechanism of disease, is predicted to disrupt protein function, and has been observed more frequently in cases with the relevant disease than in healthy populations. Please note: this variant was assessed in the context of healthy population screening.

Literature cited by the submitters: PubMed 39558648.

NM_000091.5(COL4A3):c.4895G>A (p.Trp1632Ter)

Genes: COL4A3 (collagen type IV alpha 3 chain; plus strand), MFF-DT (MFF divergent transcript; minus strand). Cytogenetic location: 2q36.3.
Variant type: single nucleotide variant.
Coding change: c.4895G>A on transcript NM_000091.5 (MANE Select); coding-DNA position 4895, G replaced by A.
Protein change: p.Trp1632Ter; replaces tryptophan 1632 with a stop codon.
Molecular consequence: nonsense.
Genome position (GRCh38, 1-based): chr2:227,310,915, G>A. VCF-style: chr2-227310915-G-A. GRCh37 (hg19) VCF-style: chr2-228175631-G-A.
Other names: short protein forms W1632*.
Identifiers: ClinVar variation 5004507 (VCV005004507.1).